The following is an entry in ClinVar:

NM_000346.4(SOX9):c.723del (p.Thr243fs)

Gene: SOX9 (SRY-box transcription factor 9; plus strand). Cytogenetic location: 17q24.3.
Variant type: Deletion.
Coding change: c.723del on transcript NM_000346.4 (MANE Select); coding-DNA position 723, one base deleted (C; older notation c.723delC).
Protein change: p.Thr243fs; shifts the reading frame from threonine 243.
Molecular consequence: frameshift variant.
Genome position (GRCh38, 1-based): chr17:72,123,580, C deleted; the last of 5 consecutive C bases (chr17:72,123,576-72,123,580); deleting any one gives the same sequence. VCF-style (leftmost placement, unchanged base first): chr17-72123575-AC-A. GRCh37 (hg19) VCF-style: chr17-70119716-AC-A.
Other names: short protein forms T243fs.
Identifiers: ClinVar variation 817191 (VCV000817191.1), dbSNP rs1598176416, ClinGen allele CA915952173.

ClinVar aggregate classification (germline): Likely pathogenic (1 of 4 stars; one submission).

Submission:

GeneDx
Classification: Likely pathogenic. Last evaluated: 2018-08-10. Review status: criteria provided, single submitter. Criteria: GeneDx Variant Classification (06012015). Collection method: clinical testing. Allele origin: germline. Affected: yes.
Comment: The c.723delC variant has not been published as a pathogenic variant, nor has it been reported as a benign variant to our knowledge. The c.723delC variant is not observed in large population cohorts (Lek et al., 2016). The deletion causes a frameshift starting with codon Threonine 243, changes this amino acid to a Proline residue and creates a premature Stop codon at position 10 of the new reading frame, denoted p.Thr243ProfsX10. This pathogenic variant is predicted to cause loss of normal protein function through protein truncation as the last 267 amino acids of the protein are replaced with 9 aberrant amino acids. We classify this variant as likely pathogenic.